The following is an entry in ClinVar:

NM_001081.4(CUBN):c.5467A>G (p.Ile1823Val)

Gene: CUBN (cubilin; minus strand). Cytogenetic location: 10p13.
Variant type: single nucleotide variant.
Coding change: c.5467A>G on transcript NM_001081.4 (MANE Select); coding-DNA position 5467, A replaced by G.
Protein change: p.Ile1823Val; replaces isoleucine 1823 with valine.
Molecular consequence: missense variant.
Genome position (GRCh38, 1-based): chr10:16,940,113, T>C on the plus strand (A>G on the coding strand, the complement: CUBN is on the minus strand). VCF-style: chr10-16940113-T-C. GRCh37 (hg19) VCF-style: chr10-16982112-T-C.
Other names: short protein forms I1823V.
Identifiers: ClinVar variation 879096 (VCV000879096.13), dbSNP rs946315516, ClinGen allele CA203585921.
Genomic context (GRCh38, chr10:16,940,113, plus strand): 5'-AGCCCGTGCCGCTGCCAGAACCATCTGAGATAAATCTGACCCACAGGGTATGTCCAACGA[T>C]GGAAGAATAATTGAGAGGGAAGGAGTTTCCACAGTATCGTCCCACCAAGTGACCCGTGGC-3'
Protein context (NP_001072.2, residues 1813-1833): GNSFPLNYSS[Ile1823Val]VGHTLWVRFI

ClinVar aggregate classification (germline): Uncertain significance. Review status: criteria provided, multiple submitters, no conflicts (2 of 4 stars). 4 submissions from 4 submitters: Uncertain significance (4). Last evaluated 2026-07-08.

Conditions:
Proteinuria, chronic benign. Identifiers: MedGen C5394384, MONDO:0030042, OMIM 618884.
Imerslund-Grasbeck syndrome type 1 (IGS1). Also called: Imerslund-Gräsbeck syndrome 1; Megaloblastic anemia 1, Finnish type; MEGALOBLASTIC ANEMIA, 1. Identifiers: MedGen C4016819, MONDO:0100156, OMIM 261100.
Imerslund-Grasbeck syndrome. Also called: PERNICIOUS ANEMIA, JUVENILE, DUE TO SELECTIVE INTESTINAL MALABSORPTION OF VITAMIN B12, WITH PROTEINURIA; Imerslund-Gräsbeck syndrome; ENTEROCYTE COBALAMIN MALABSORPTION; ENTEROCYTE INTRINSIC FACTOR RECEPTOR, DEFECT OF; Megaloblastic anemia due to inborn errors of metabolism. Identifiers: Orphanet 35858, MedGen C4551825, MONDO:0009853.
Inborn genetic diseases. Identifiers: MedGen C0950123, MeSH D030342.

Allele frequency attached by ClinVar (database versions not stated): gnomAD 0.00004; gnomAD exomes 0.00003 and 0.00002; TOPMed 0.00003.
gnomAD v4.1: 55 of 1,614,026 alleles (0.0034%); highest among the groups gnomAD compares: Non-Finnish European, 0.0042%; no homozygotes.

Submissions (4):

Ambry Genetics
Classification: Uncertain significance for Inborn genetic diseases. Last evaluated: 2026-07-08. Review status: criteria provided, single submitter. Criteria: Ambry Variant Classification Scheme 2023. Collection method: clinical testing. Allele origin: germline.

Labcorp Genetics (formerly Invitae), Labcorp
Classification: Uncertain significance for Imerslund-Grasbeck syndrome. Last evaluated: 2025-04-08. Review status: criteria provided, single submitter. Criteria: Invitae Variant Classification Sherloc (09022015). Collection method: clinical testing. Allele origin: germline.
Comment: This sequence change replaces isoleucine, which is neutral and non-polar, with valine, which is neutral and non-polar, at codon 1823 of the CUBN protein (p.Ile1823Val). This variant is present in population databases (no rsID available, gnomAD 0.004%). This variant has not been reported in the literature in individuals affected with CUBN-related conditions. ClinVar contains an entry for this variant (Variation ID: 879096). An algorithm developed to predict the effect of missense changes on protein structure and function outputs the following: PolyPhen-2: "Benign". The valine amino acid residue is found in multiple mammalian species, which suggests that this missense change does not adversely affect protein function. In summary, the available evidence is currently insufficient to determine the role of this variant in disease. Therefore, it has been classified as a Variant of Uncertain Significance.

Fulgent Genetics
Classification: Uncertain significance for Imerslund-Grasbeck syndrome type 1; Proteinuria, chronic benign. Last evaluated: 2022-05-26. Review status: criteria provided, single submitter. Criteria: ACMG Guidelines, 2015. Collection method: clinical testing. Allele origin: unknown.

Illumina Laboratory Services, Illumina
Classification: Uncertain significance for Imerslund-Grasbeck syndrome type 1. Last evaluated: 2018-01-13. Review status: criteria provided, single submitter. Criteria: ICSL Variant Classification Criteria 13 December 2019. Collection method: clinical testing. Allele origin: germline.